The following is an entry in ClinVar:

NM_152419.3(HGSNAT):c.1570_1571insA (p.Val524fs)

Gene: HGSNAT (heparan-alpha-glucosaminide N-acetyltransferase; plus strand). Cytogenetic location: 8p11.21.
Variant type: Insertion.
Coding change: c.1570_1571insA on transcript NM_152419.3 (MANE Select); coding-DNA positions 1570 to 1571, A inserted.
Protein change: p.Val524fs; shifts the reading frame from valine 524.
Molecular consequence: frameshift variant.
Genome position: GRCh38 VCF-style: chr8-43197699-G-GA. GRCh37 (hg19) VCF-style: chr8-43052842-G-GA.
Other names: c.1657_1658insA, p.Val553fs (NM_001363227.2); c.1378_1379insA, p.Val460fs (NM_001363228.2); c.706_707insA, p.Val236fs (NM_001363229.2); short protein forms V236fs, V460fs, V524fs, V553fs.
Identifiers: ClinVar variation 4816866 (VCV004816866.1).

ClinVar aggregate classification (germline): Likely pathogenic (1 of 4 stars; one submission).

Conditions:
Mucopolysaccharidosis, MPS-III-C (MPS3C). Also called: MPS IIIC (Sanfilippo Syndrome Type C); SANFILIPPO SYNDROME C; MPS III C; Mucopolysaccharidosis type IIIC (Sanfilippo C); MUCOPOLYSACCHARIDOSIS, TYPE IIIC; mucopolysaccharidosis type 3C. Identifiers: Orphanet 581, Orphanet 79271, MedGen C0086649, MONDO:0009657, OMIM 252930.

Submission:

Natera, Inc.
Classification: Likely pathogenic for Mucopolysaccharidosis type IIIC. Last evaluated: 2024-04-26. Review status: criteria provided, single submitter. Criteria: Natera Variant Classification Schema (03/2026). Collection method: clinical testing. Allele origin: germline.
Comment: The c.1570_1571insA variant in HGSNAT is a frameshift variant predicted to shift the reading frame beginning at codon 524 and leads to a stop codon 3 codons downstream. This variant is expected to result in nonsense mediated decay, truncation, or a dysfunctional protein product. This variant is rare in the general population with a frequency below the threshold expected for the associated phenotype(s). Given the available evidence, this variant is classified as Likely Pathogenic.